The following is an entry in ClinVar:

NM_006393.3(NEBL):c.2T>C (p.Met1Thr)

Gene: NEBL (nebulette; minus strand). Cytogenetic location: 10p12.31.
Variant type: single nucleotide variant.
Coding change: c.2T>C on transcript NM_006393.3 (MANE Select); coding-DNA position 2, T replaced by C.
Protein change: p.Met1Thr; changes the start codon (methionine 1).
Molecular consequence: missense variant, initiator codon variant. On other transcripts: intron variant (9).
Genome position (GRCh38, 1-based): chr10:20,897,204, A>G on the plus strand (T>C on the coding strand, the complement: NEBL is on the minus strand). VCF-style: chr10-20897204-A-G. GRCh37 (hg19) VCF-style: chr10-21186133-A-G.
Other names: c.249+64468T>C (NM_001377326.1, NM_001377327.1, NM_001377328.1); c.357+64468T>C (NM_213569.2, NM_001173484.2, NM_001377322.1); c.300+64468T>C (NM_001377324.1); c.291+64468T>C (NM_001377325.1); c.309+64468T>C (NM_001377323.1); short protein forms M1T.
Identifiers: ClinVar variation 488779 (VCV000488779.11), dbSNP rs972622200, ClinGen allele CA204180051.

ClinVar aggregate classification (germline): Uncertain significance. Review status: criteria provided, multiple submitters, no conflicts (2 of 4 stars). 2 submissions from 2 submitters: Uncertain significance (2). Last evaluated 2022-05-20.

Conditions:
Primary dilated cardiomyopathy (DCM). Also called: Dilated Cardiomyopathy. Identifiers: Orphanet 217604, MedGen C0007193, MeSH D002311, MONDO:0005021, HP:0001644. Inheritance: Various modes of inheritance.

Allele frequency attached by ClinVar (database versions not stated): gnomAD 0.00001; gnomAD exomes 0.00003 and 0.00005.

Submissions (2):

Labcorp Genetics (formerly Invitae), Labcorp
Classification: Uncertain significance for Primary dilated cardiomyopathy. Last evaluated: 2022-05-20. Review status: criteria provided, single submitter. Criteria: Invitae Variant Classification Sherloc (09022015). Collection method: clinical testing. Allele origin: germline.
Comment: In summary, the available evidence is currently insufficient to determine the role of this variant in disease. Therefore, it has been classified as a Variant of Uncertain Significance. Experimental studies and prediction algorithms are not available or were not evaluated, and the functional significance of this variant is currently unknown. ClinVar contains an entry for this variant (Variation ID: 488779). This variant has not been reported in the literature in individuals affected with NEBL-related conditions. This variant is present in population databases (no rsID available, gnomAD 0.03%). This sequence change affects the initiator methionine of the NEBL mRNA. The next in-frame methionine is located at codon 39.

GeneDx
Classification: Uncertain significance. Last evaluated: 2015-08-20. Review status: criteria provided, single submitter. Criteria: GeneDx Variant Classification (06012015). Collection method: clinical testing. Allele origin: germline. Affected: yes.
Comment: A variant of uncertain significance has been identified in the NEBL gene. The c.2 T>C variant has not been published as a pathogenic variant or been reported as a benign variant to our knowledge. This variant alters the initiator Methionine residue and the resultant protein would be described as p.Met1?" using a question mark to signify that it is not known if the loss of Met1 means that all protein translation is completely prevented or if an abnormal protein is produced using an alternate Met. The c.2 T>C variant was not observed in approximately 6,500 individuals of European and African American ancestry in the NHLBI Exome Sequencing Project, indicating it is not a common benign variant in these populations. However, only four missense variants and no truncating variants in the NEBL gene have been reported in the Human Gene Mutation Database in association with disease (Stenson et al., 2014).Therefore, based on the currently available information, it is unclear whether this variant is a pathogenic variant or a rare benign variant"